The following is an entry in ClinVar:

ClinVar aggregate classification (germline): Uncertain significance (1 of 4 stars; one submission).

Conditions:
Early Myoclonic Encephalopathy. Identifiers: MedGen C0270855.

gnomAD v4.1: 1 of 1,609,284 alleles (0.000062%); highest among the groups gnomAD compares: Admixed American, 0.0017%; no homozygotes.

Submission:

Labcorp Genetics (formerly Invitae), Labcorp
Classification: Uncertain significance for Early Myoclonic Encephalopathy. Last evaluated: 2019-06-27. Review status: criteria provided, single submitter. Criteria: Invitae Variant Classification Sherloc (09022015). Collection method: clinical testing. Allele origin: germline.
Comment: In summary, the available evidence is currently insufficient to determine the role of this variant in disease. Therefore, it has been classified as a Variant of Uncertain Significance. Algorithms developed to predict the effect of missense changes on protein structure and function are either unavailable or do not agree on the potential impact of this missense change (SIFT: "Deleterious"; PolyPhen-2: "Benign"; Align-GVGD: "Class C0"). This variant has not been reported in the literature in individuals with JMJD1C-related conditions. This variant is not present in population databases (ExAC no frequency). This sequence change replaces glutamic acid with alanine at codon 26 of the JMJD1C protein (p.Glu26Ala). The glutamic acid residue is weakly conserved and there is a moderate physicochemical difference between glutamic acid and alanine.

NM_032776.3(JMJD1C):c.77A>C (p.Glu26Ala)

Genes: JMJD1C (jumonji domain containing 1C; minus strand), JMJD1C-AS1 (JMJD1C antisense RNA 1; plus strand). Cytogenetic location: 10q21.3.
Variant type: single nucleotide variant.
Coding change: c.77A>C on transcript NM_032776.3 (MANE Select); coding-DNA position 77, A replaced by C.
Protein change: p.Glu26Ala; replaces glutamic acid 26 with alanine.
Molecular consequence: missense variant. On other transcripts: non-coding transcript variant (1), intron variant (2).
Genome position (GRCh38, 1-based): chr10:63,465,586, T>G on the plus strand (A>C on the coding strand, the complement: JMJD1C is on the minus strand). VCF-style: chr10-63465586-T-G. GRCh37 (hg19) VCF-style: chr10-65225346-T-G.
Other names: c.77A>C, p.Glu26Ala (NM_001322252.2); c.-384+56152A>C (NM_001322258.2); c.-379+56152A>C (NM_001318154.2); short protein forms E26A.
Identifiers: ClinVar variation 938702 (VCV000938702.9), dbSNP rs1953189825, ClinGen allele CA377088323.